The following is an entry in ClinVar:

NM_031407.7(HUWE1):c.250C>T (p.Pro84Ser)

Gene: HUWE1 (HECT, UBA and WWE domain containing E3 ubiquitin protein ligase 1; minus strand). Cytogenetic location: Xp11.22.
Variant type: single nucleotide variant.
Coding change: c.250C>T on transcript NM_031407.7 (MANE Select); coding-DNA position 250, C replaced by T.
Protein change: p.Pro84Ser; replaces proline 84 with serine.
Molecular consequence: missense variant.
Genome position (GRCh38, 1-based): chrX:53,647,469, G>A on the plus strand (C>T on the coding strand, the complement: HUWE1 is on the minus strand). VCF-style: chrX-53647469-G-A. GRCh37 (hg19) VCF-style: chrX-53674412-G-A.
Other names: NC_000023.10:g.53674412G>A; c.250C>T, p.Pro84Ser (NM_001441057.1, NM_001441058.1, NM_001441048.1 and 8 more transcripts); c.250C>T (NM_031407.6); short protein forms P84S.
Identifiers: ClinVar variation 4493578 (VCV004493578.2).
Genomic context (GRCh38, chrX:53,647,469, plus strand): 5'-TGAGCAAGGCTGTGAAGTTCAACACAGCCAAGAGAAGCATTTTCAGTTGCTCTCTTTCTG[G>A]CCTATCACATACGAGCATCCATGACATATTCTCCACTGTCTGTCCAGCATCTGCCAGTAT-3'
Protein context (NP_113584.3, residues 74-94): NMSWMLVCDR[Pro84Ser]EREQLKMLLL

ClinVar aggregate classification (germline): Uncertain significance (1 of 4 stars; one submission).

Conditions:
HUWE1-related disorder. Also called: HUWE1-related condition.

gnomAD v4.1: 2 of 1,205,400 alleles (0.00017%); highest among the groups gnomAD compares: Non-Finnish European, 0.00022%; no homozygotes.

Submissions (2):

PreventionGenetics, part of Exact Sciences
Classification: Uncertain significance for HUWE1-related condition. Last evaluated: 2024-12-14. Review status: criteria provided, single submitter. Criteria: ACMG Guidelines, 2015. Collection method: clinical testing. Allele origin: germline.
Comment: The HUWE1 c.250C>T variant is predicted to result in the amino acid substitution p.Pro84Ser. To our knowledge, this variant has not been reported in the literature. This variant is reported in 0.0012% of alleles in individuals of European (Non-Finnish) descent in gnomAD. At this time, the clinical significance of this variant is uncertain due to the absence of conclusive functional and genetic evidence.

Dr. Peter K. Rogan Lab, Western University
No classification provided (evidence only). Condition: Thyroid cancer, nonmedullary, 1. Review status: no classification provided. Collection method: in vitro. Allele origin: not applicable. Functional consequence: retained intron. Not counted in ClinVar's aggregate classification.